The following is an entry in ClinVar:

ClinVar aggregate classification (germline): Conflicting classifications of pathogenicity. Review status: criteria provided, conflicting classifications (1 of 4 stars). 2 submissions from 2 submitters: Uncertain significance (1); Likely benign (1). Last evaluated 2026-08-05.

Conditions:
Cardiomyopathy, familial hypertrophic, 28. Identifiers: MedGen C5543616, MONDO:0030317, OMIM 619402.
FHOD3-related disorder. Also called: FHOD3-related condition.

Allele frequency attached by ClinVar (database versions not stated): gnomAD 0.00001 and 0.00004; TOPMed 0.00001; 1000 Genomes Project 30x 0.00031; 1000 Genomes Project 0.00040.
gnomAD v4.1: 105 of 1,527,728 alleles (0.0069%); highest among the groups gnomAD compares: South Asian, 0.1%; 2 homozygotes.

Submissions (2):

PreventionGenetics, part of Exact Sciences
Classification: Likely benign for FHOD3-related condition. Last evaluated: 2026-08-05. Review status: criteria provided, single submitter. Criteria: ACMG Guidelines, 2015. Collection method: clinical testing. Allele origin: germline.
Comment: This variant is classified as likely benign based on ACMG/AMP sequence variant interpretation guidelines (Richards et al. 2015 PMID: 25741868, with internal and published modifications).

Victorian Clinical Genetics Services, Murdoch Childrens Research Institute
Classification: Uncertain significance for Cardiomyopathy, familial hypertrophic, 28. Last evaluated: 2021-05-06. Review status: criteria provided, single submitter. Criteria: ACMG Guidelines, 2015. Collection method: clinical testing. Allele origin: germline. Inheritance: Autosomal dominant inheritance. Affected: yes.
Comment: Based on the classification scheme VCGS_Germline_v1.3.4, this variant is classified as VUS-3C. Following criteria are met: 0104 - Dominant negative is a known mechanism of disease in this gene and is associated with hypertrophic cardiomyopathy (HCM) and dilated cardiomyopathy (DCM) (PMIDs: 32335906, 24088304). (I) 0107 - This gene is associated with autosomal dominant disease. (I) 0112 - The condition associated with this gene has incomplete penetrance (PMID: 32335906). (I) 0200 - Variant is predicted to result in a missense amino acid change from arginine to glutamine. (I) 0251 - This variant is heterozygous. (I) 0309 - An alternative amino acid change at the same position has been observed in gnomAD (v2) (5 heterozygotes, 0 homozygotes). (I) 0310 - Variant is present in gnomAD (v2) >=0.001 and <0.01 for a dominant condition (32 heterozygotes, 0 homozygotes). (I) 0503 - Missense variant consistently predicted to be tolerated by multiple in silico tools or not conserved in placental mammals with a minor amino acid change. (SB) 0600 - Variant is located in the annotated GBD/FH3 domain (Uniprot). (I) 0705 - No comparable missense variants have previous evidence for pathogenicity. (I) 0807 - This variant has no previous evidence of pathogenicity. (I) 0905 - No published segregation evidence has been identified for this variant. (I) 1007 - No published functional evidence has been identified for this variant. (I) 1208 - Inheritance information for this variant is not currently available in this individual. (I) Legend: (SP) - Supporting pathogenic, (I) - Information, (SB) - Supporting benign

Literature cited by the submitters: PubMed 24088304 (cited by Victorian Clinical Genetics Services, Murdoch Childrens Research Institute); PubMed 32335906 (cited by Victorian Clinical Genetics Services, Murdoch Childrens Research Institute).

NM_001281740.3(FHOD3):c.1016G>A (p.Arg339Gln)

Gene: FHOD3 (formin homology 2 domain containing 3; plus strand). Cytogenetic location: 18q12.2.
Variant type: single nucleotide variant.
Coding change: c.1016G>A on transcript NM_001281740.3 (MANE Select); coding-DNA position 1016, G replaced by A.
Protein change: p.Arg339Gln; replaces arginine 339 with glutamine.
Molecular consequence: missense variant.
Genome position (GRCh38, 1-based): chr18:36,625,569, G>A. VCF-style: chr18-36625569-G-A. GRCh37 (hg19) VCF-style: chr18-34205532-G-A.
Other names: c.1016G>A, p.Arg339Gln (NM_001281739.3, NM_025135.5); short protein forms R339Q.
Identifiers: ClinVar variation 1699167 (VCV001699167.4), dbSNP rs545624410, ClinGen allele CA8941515.